The following is an entry in ClinVar:

NM_003106.4(SOX2):c.925A>T (p.Asn309Tyr)

Genes: SOX2 (SRY-box transcription factor 2; plus strand), SOX2-OT (SOX2 overlapping transcript; plus strand). Cytogenetic location: 3q26.33.
Variant type: single nucleotide variant.
Coding change: c.925A>T on transcript NM_003106.4 (MANE Select); coding-DNA position 925, A replaced by T.
Protein change: p.Asn309Tyr; replaces asparagine 309 with tyrosine.
Molecular consequence: missense variant.
Genome position (GRCh38, 1-based): chr3:181,713,285, A>T. VCF-style: chr3-181713285-A-T. GRCh37 (hg19) VCF-style: chr3-181431073-A-T.
Other names: short protein forms N309Y.
Identifiers: ClinVar variation 1300373 (VCV001300373.2), dbSNP rs2108523882, ClinGen allele CA355474958.
Genomic context (GRCh38, chr3:181,713,285, plus strand): 5'-CCCAGCAGACTTCACATGTCCCAGCACTACCAGAGCGGCCCGGTGCCCGGCACGGCCATT[A>T]ACGGCACACTGCCCCTCTCACACATGTGAGGGCCGGACAGCGAACTGGAGGGGGGAGAAA-3'
Protein context (NP_003097.1, residues 299-317): QSGPVPGTAI[Asn309Tyr]GTLPLSHM

ClinVar aggregate classification (germline): Uncertain significance (1 of 4 stars; one submission).

Submission:

GeneDx
Classification: Uncertain significance. Last evaluated: 2020-05-07. Review status: criteria provided, single submitter. Criteria: GeneDx Variant Classification Process June 2021. Collection method: clinical testing. Allele origin: germline. Affected: yes.
Comment: Not observed in large population cohorts (Lek et al., 2016); In silico analysis supports a deleterious effect on splicing; Has not been previously published as pathogenic or benign to our knowledge